The following is an entry in ClinVar:

NM_004100.5(EYA4):c.1468G>T (p.Glu490Ter)

Genes: EYA4 (EYA transcriptional coactivator and phosphatase 4; plus strand), TARID (TCF21 antisense RNA inducing promoter demethylation; minus strand). Cytogenetic location: 6q23.2.
Variant type: single nucleotide variant.
Coding change: c.1468G>T on transcript NM_004100.5 (MANE Select); coding-DNA position 1468, G replaced by T.
Protein change: p.Glu490Ter; replaces glutamic acid 490 with a stop codon.
Molecular consequence: nonsense.
Genome position (GRCh38, 1-based): chr6:133,513,005, G>T. VCF-style: chr6-133513005-G-T. GRCh37 (hg19) VCF-style: chr6-133834143-G-T.
Other names: c.1306G>T, p.Glu436Ter (NM_001301012.2); c.1486G>T, p.Glu496Ter (NM_001301013.2); c.1399G>T, p.Glu467Ter (NM_001370458.1, NM_172103.4); c.1324G>T, p.Glu442Ter (NM_001370459.1); c.1468G>T, p.Glu490Ter (NM_172105.4); short protein forms E436*, E442*, E467*, E490*, E496*.
Identifiers: ClinVar variation 1687435 (VCV001687435.1), dbSNP rs1305000119, ClinGen allele CA365715473.

ClinVar aggregate classification (germline): Likely pathogenic (1 of 4 stars; one submission).

Conditions:
Autosomal dominant nonsyndromic hearing loss 10. Identifiers: Orphanet 90635, MedGen C1832476, MONDO:0011031, OMIM 601316.

Submission:

3billion
Classification: Likely pathogenic for Autosomal dominant nonsyndromic hearing loss 10. Last evaluated: 2022-05-22. Review status: criteria provided, single submitter. Criteria: ACMG Guidelines, 2015. Collection method: clinical testing. Allele origin: germline. Affected: yes. Observed: 1 heterozygote.
Comment: The variant is not observed in the gnomAD v2.1.1 dataset. Stop-gained (nonsense): predicted to result in a loss or disruption of normal protein function through nonsense-mediated decay (NMD) or protein truncation. Multiple pathogenic variants are reported downstream of the variant. Therefore, this variant is classified as likely pathogenic according to the recommendation of ACMG/AMP guideline.